The following is an entry in ClinVar:

ClinVar aggregate classification (germline): Uncertain significance. Review status: criteria provided, multiple submitters, no conflicts (2 of 4 stars). 2 submissions from 2 submitters: Uncertain significance (2). Last evaluated 2026-05-06.

Conditions:
Inborn genetic diseases. Identifiers: MedGen C0950123, MeSH D030342.

Allele frequency attached by ClinVar (database versions not stated): ExAC 0.00010; gnomAD 0.00002; TOPMed 0.00004.
gnomAD v4.1: 61 of 1,608,322 alleles (0.0038%); highest among the groups gnomAD compares: South Asian, 0.032%; 1 homozygote.

Submissions (2):

Ambry Genetics
Classification: Uncertain significance for Inborn genetic diseases. Last evaluated: 2026-05-06. Review status: criteria provided, single submitter. Criteria: Ambry Variant Classification Scheme 2023. Collection method: clinical testing. Allele origin: germline.

Labcorp Genetics (formerly Invitae), Labcorp
Classification: Uncertain significance. Last evaluated: 2025-12-08. Review status: criteria provided, single submitter. Criteria: Invitae Variant Classification Sherloc (09022015). Collection method: clinical testing. Allele origin: germline.
Comment: This sequence change replaces arginine, which is basic and polar, with histidine, which is basic and polar, at codon 753 of the DNA2 protein (p.Arg753His). This variant is present in population databases (rs751092529, gnomAD 0.05%). This variant has not been reported in the literature in individuals affected with DNA2-related conditions. ClinVar contains an entry for this variant (Variation ID: 2173178). Invitae Evidence Modeling of protein sequence and biophysical properties (such as structural, functional, and spatial information, amino acid conservation, physicochemical variation, residue mobility, and thermodynamic stability) indicates that this missense variant is not expected to disrupt DNA2 protein function with a negative predictive value of 80%. In summary, the available evidence is currently insufficient to determine the role of this variant in disease. Therefore, it has been classified as a Variant of Uncertain Significance.

NM_001080449.3(DNA2):c.2258G>A (p.Arg753His)

Gene: DNA2 (DNA replication helicase/nuclease 2; minus strand). Cytogenetic location: 10q21.3.
Variant type: single nucleotide variant.
Coding change: c.2258G>A on transcript NM_001080449.3 (MANE Select); coding-DNA position 2258, G replaced by A.
Protein change: p.Arg753His; replaces arginine 753 with histidine.
Molecular consequence: missense variant. On other transcripts: non-coding transcript variant (1).
Genome position (GRCh38, 1-based): chr10:68,422,841, C>T on the plus strand (G>A on the coding strand, the complement: DNA2 is on the minus strand). VCF-style: chr10-68422841-C-T. GRCh37 (hg19) VCF-style: chr10-70182598-C-T.
Other names: c.2258G>A (NM_001080449.2); short protein forms R753H.
Identifiers: ClinVar variation 2173178 (VCV002173178.6), dbSNP rs751092529, ClinGen allele CA5524860.